The following is an entry in ClinVar:

NM_003640.5(ELP1):c.821_822insAGCGTGTTACTAGGAG (p.Leu274_His275insAlaCysTyrTer)

Gene: ELP1 (elongator acetyltransferase complex subunit 1; minus strand). Cytogenetic location: 9q31.3.
Variant type: Insertion.
Coding change: c.821_822insAGCGTGTTACTAGGAG on transcript NM_003640.5 (MANE Select); coding-DNA positions 821 to 822, AGCGTGTTACTAGGAG inserted.
Protein change: p.Leu274_His275insAlaCysTyrTer.
Molecular consequence: nonsense. On other transcripts: 5 prime UTR variant (1).
Genome position: GRCh38 VCF-style: chr9-108917589-A-ACTCCTAGTAACACGCT. GRCh37 (hg19) VCF-style: chr9-111679869-A-ACTCCTAGTAACACGCT.
Other names: c.479_480insAGCGTGTTACTAGGAG, p.Leu160_His161insAlaCysTyrTer (NM_001318360.2); c.-227_-226insAGCGTGTTACTAGGAG (NM_001330749.2).
Identifiers: ClinVar variation 5012358 (VCV005012358.1).

ClinVar aggregate classification (germline): Pathogenic (1 of 4 stars; one submission).

Conditions:
Familial dysautonomia. Also called: HSAN III; FD. Identifiers: Orphanet 1764, MedGen C0013364, MONDO:0009131, OMIM 223900. Disease mechanism: loss of function.

Submission:

Myriad Genetics, Inc.
Classification: Pathogenic for Familial dysautonomia. Last evaluated: 2023-10-04. Review status: criteria provided, single submitter. Criteria: Myriad Autosomal Dominant, Autosomal Recessive and X-Linked Classification Criteria (2023). Collection method: clinical testing. Allele origin: unknown.
Comment: NM_003640.3(ELP1):c.821_822ins16(H275Afs*4) is expected to be pathogenic in the context of familial dysautonomia. This variant is predicted to lead to an abnormal or absent protein product due to the creation of a premature termination codon in ELP1, a gene where loss-of-function variants are known to be pathogenic. Please note: this variant was assessed in the context of healthy population screening.